The following is an entry in ClinVar:

ClinVar aggregate classification (germline): Uncertain significance. Review status: criteria provided, multiple submitters, no conflicts (2 of 4 stars). 2 submissions from 2 submitters: Uncertain significance (2). Last evaluated 2024-10-06.

Conditions:
Joubert syndrome. Also called: Familial aplasia of the vermis; JOUBERT-BOLTSHAUSER SYNDROME. Identifiers: Orphanet 475, MedGen C5979921, MONDO:0018772.
Orofaciodigital syndrome I (OFD1). Also called: Papillon-Leage and Psaume Syndrome; Oral-Facial-Digital Syndrome Type I; OFDS I. Identifiers: Orphanet 2750, MedGen C1510460, MONDO:0010702, OMIM 311200.

Submissions (2):

Labcorp Genetics (formerly Invitae), Labcorp
Classification: Uncertain significance for Orofaciodigital syndrome I; Joubert syndrome. Last evaluated: 2024-10-06. Review status: criteria provided, single submitter. Criteria: Invitae Variant Classification Sherloc (09022015). Collection method: clinical testing. Allele origin: germline.
Comment: This sequence change replaces threonine, which is neutral and polar, with alanine, which is neutral and non-polar, at codon 166 of the OFD1 protein (p.Thr166Ala). This variant is not present in population databases (gnomAD no frequency). This variant has not been reported in the literature in individuals affected with OFD1-related conditions. Invitae Evidence Modeling of protein sequence and biophysical properties (such as structural, functional, and spatial information, amino acid conservation, physicochemical variation, residue mobility, and thermodynamic stability) indicates that this missense variant is not expected to disrupt OFD1 protein function with a negative predictive value of 80%. In summary, the available evidence is currently insufficient to determine the role of this variant in disease. Therefore, it has been classified as a Variant of Uncertain Significance.

Blueprint Genetics
Classification: Uncertain significance. Last evaluated: 2019-10-18. Review status: criteria provided, single submitter. Criteria: ACMG Guidelines, 2015. Collection method: clinical testing. Allele origin: germline.

NM_003611.3(OFD1):c.496A>G (p.Thr166Ala)

Gene: OFD1 (OFD1 centriole and centriolar satellite protein; plus strand). Cytogenetic location: Xp22.2.
Variant type: single nucleotide variant.
Coding change: c.496A>G on transcript NM_003611.3 (MANE Select); coding-DNA position 496, A replaced by G.
Protein change: p.Thr166Ala; replaces threonine 166 with alanine.
Molecular consequence: missense variant.
Genome position (GRCh38, 1-based): chrX:13,744,498, A>G. VCF-style: chrX-13744498-A-G. GRCh37 (hg19) VCF-style: chrX-13762617-A-G.
Other names: c.496A>G, p.Thr166Ala (NM_001330209.2); c.76A>G, p.Thr26Ala (NM_001330210.2); short protein forms T166A, T26A.
Identifiers: ClinVar variation 3755050 (VCV003755050.3).
Genomic context (GRCh38, chrX:13,744,498, plus strand): 5'-GAATTGGCAGAATATCATCAAGCTAAAGAGAGTTGTAATATGGAAACTCAGACAAGTTCG[A>G]CATTTAACAGAGATTCTCTGGGTAATTATAGCCTTCTTTCTTAATTTCAGTTCTGCTGTT-3'
Protein context (NP_003602.1, residues 156-176): SCNMETQTSS[Thr166Ala]FNRDSLAEKL